The following is an entry in ClinVar:

NM_032043.3(BRIP1):c.508-9T>C

Gene: BRIP1 (BRCA1 interacting DNA helicase 1; minus strand). Cytogenetic location: 17q23.2.
Variant type: single nucleotide variant.
Coding change: c.508-9T>C on transcript NM_032043.3 (MANE Select); 9 bases into the intron before coding-DNA position 508, T replaced by C.
Molecular consequence: intron variant.
Genome position (GRCh38, 1-based): chr17:61,847,229, A>G on the plus strand (T>C on the coding strand, the complement: BRIP1 is on the minus strand). VCF-style: chr17-61847229-A-G. GRCh37 (hg19) VCF-style: chr17-59924590-A-G.
Identifiers: ClinVar variation 3378513 (VCV003378513.1).
Genomic context (GRCh38, chr17:61,847,229, plus strand): 5'-CTTTTGCATCCAAATTGTGTACTTCTGTTCCAAAGCAATGACGTTTTCTAATCTGTAAAC[A>G]CAGAACCAAAATGAAGTTTAAGGTGAACTAGAAGTTTAACTGGCTAGTTGTTCTCAAAGG-3'

ClinVar aggregate classification (germline): Likely benign (1 of 4 stars; one submission).

Conditions:
Familial cancer of breast. Also called: hereditary breast carcinoma; Hereditary breast cancer; BREAST CANCER, FAMILIAL. Identifiers: Orphanet 227535, MedGen C0346153, MONDO:0016419, OMIM 114480. Disease mechanism: loss of function.

Submission:

Myriad Genetics, Inc.
Classification: Likely benign for Familial cancer of breast. Last evaluated: 2024-08-21. Review status: criteria provided, single submitter. Criteria: Myriad Autosomal Dominant, Autosomal Recessive and X-Linked Classification Criteria (2023). Collection method: clinical testing. Allele origin: unknown.
Comment: This variant is considered likely benign. This variant is intronic and is not expected to impact mRNA splicing.